The following is an entry in ClinVar:

NM_001457.4(FLNB):c.6221A>G (p.Lys2074Arg)

Gene: FLNB (filamin B; plus strand). Cytogenetic location: 3p14.3.
Variant type: single nucleotide variant.
Coding change: c.6221A>G on transcript NM_001457.4 (MANE Select); coding-DNA position 6221, A replaced by G.
Protein change: p.Lys2074Arg; replaces lysine 2074 with arginine.
Molecular consequence: missense variant.
Genome position (GRCh38, 1-based): chr3:58,149,979, A>G. VCF-style: chr3-58149979-A-G. GRCh37 (hg19) VCF-style: chr3-58135706-A-G.
Other names: c.6314A>G, p.Lys2105Arg (NM_001164317.2); c.6188A>G, p.Lys2063Arg (NM_001164318.2); c.6149A>G, p.Lys2050Arg (NM_001164319.2); c.6221A>G (NM_001457.3); short protein forms K2050R, K2063R, K2074R, K2105R.
Identifiers: ClinVar variation 1330997 (VCV001330997.11), dbSNP rs148043654, ClinGen allele CA2469276.

ClinVar aggregate classification (germline): Conflicting classifications of pathogenicity. Review status: criteria provided, conflicting classifications (1 of 4 stars). 3 submissions from 3 submitters: Uncertain significance (2); Benign (1). Last evaluated 2025-08-13.

Conditions:
Inborn genetic diseases. Identifiers: MedGen C0950123, MeSH D030342.

Allele frequency attached by ClinVar (database versions not stated): TOPMed 0.00002; gnomAD 0.00007 and 0.00005; ESP Exome Variant Server 0.00008.
gnomAD v4.1: 16 of 1,614,114 alleles (0.00099%); highest among the groups gnomAD compares: African/African-American, 0.0093%; no homozygotes.

Submissions (3):

Labcorp Genetics (formerly Invitae), Labcorp
Classification: Benign. Last evaluated: 2025-08-13. Review status: criteria provided, single submitter. Criteria: Invitae Variant Classification Sherloc (09022015). Collection method: clinical testing. Allele origin: germline.

Ambry Genetics
Classification: Uncertain significance for Inborn genetic diseases. Last evaluated: 2025-04-07. Review status: criteria provided, single submitter. Criteria: Ambry Variant Classification Scheme 2023. Collection method: clinical testing. Allele origin: germline.

ARUP Laboratories, Molecular Genetics and Genomics, ARUP Laboratories
Classification: Uncertain significance. Last evaluated: 2021-11-30. Review status: criteria provided, single submitter. Criteria: ARUP Molecular Germline Variant Investigation Process 2021. Collection method: clinical testing. Allele origin: germline.
Comment: The FLNB c.6221A>G; p.Lys2074Arg variant (rs148043654), to our knowledge, is not reported in the medical literature or gene specific databases. This variant is found in the general population with an overall allele frequency of 0.002% (6/282,878 alleles) in the Genome Aggregation Database. The lysine at codon 2074 is moderately conserved but computational analyses are uncertain whether this variant is neutral or deleterious (REVEL: 0.43). Due to limited information, the clinical significance of the p.Lys2074Arg variant is uncertain at this time.